The following is an entry in ClinVar:

NM_000020.3(ACVRL1):c.1426C>A (p.Pro476Thr)

Gene: ACVRL1 (activin A receptor like type 1; plus strand). Cytogenetic location: 12q13.13.
Variant type: single nucleotide variant.
Coding change: c.1426C>A on transcript NM_000020.3 (MANE Select); coding-DNA position 1426, C replaced by A.
Protein change: p.Pro476Thr; replaces proline 476 with threonine.
Molecular consequence: missense variant.
Genome position (GRCh38, 1-based): chr12:51,920,807, C>A. VCF-style: chr12-51920807-C-A. GRCh37 (hg19) VCF-style: chr12-52314591-C-A.
Other names: c.1426C>A, p.Pro476Thr (NM_001077401.2, NM_001406487.1); c.1270C>A, p.Pro424Thr (NM_001406490.1); c.1114C>A, p.Pro372Thr (NM_001406491.1, NM_001406492.1); c.916C>A, p.Pro306Thr (NM_001406494.1); c.862C>A, p.Pro288Thr (NM_001406495.1); short protein forms P288T, P306T, P372T, P424T, P476T.
Identifiers: ClinVar variation 3485708 (VCV003485708.1).
Genomic context (GRCh38, chr12:51,920,807, plus strand): 5'-CCCAACCCCCAGGTCCTCTCAGGCCTAGCTCAGATGATGCGGGAGTGCTGGTACCCAAAC[C>A]CCTCTGCCCGACTCACCGCGCTGCGGATCAAGAAGACACTACAAAAAATTAGCAACAGTC-3'
Protein context (NP_000011.2, residues 466-486): QMMRECWYPN[Pro476Thr]SARLTALRIK

ClinVar aggregate classification (germline): Uncertain significance (1 of 4 stars; one submission).

Conditions:
Cardiovascular phenotype. Identifiers: MedGen CN230736.

Submission:

Ambry Genetics
Classification: Uncertain significance for Cardiovascular phenotype. Last evaluated: 2024-10-02. Review status: criteria provided, single submitter. Criteria: Ambry Variant Classification Scheme 2023. Collection method: clinical testing. Allele origin: germline.
Comment: The p.P476T variant (also known as c.1426C>A), located in coding exon 9 of the ACVRL1 gene, results from a C to A substitution at nucleotide position 1426. The proline at codon 476 is replaced by threonine, an amino acid with highly similar properties. This amino acid position is highly conserved in available vertebrate species. In addition, this alteration is predicted to be deleterious by in silico analysis. Based on the available evidence, the clinical significance of this variant remains unclear.